The following is an entry in ClinVar:

ClinVar aggregate classification (germline): Uncertain significance (1 of 4 stars; one submission).

Conditions:
Hereditary pancreatitis (PCTT). Also called: Hereditary chronic pancreatitis; PRSS1-Related Hereditary Pancreatitis. Identifiers: Orphanet 676, MedGen C0238339, MONDO:0008185, OMIM 167800.

Submission:

Ambry Genetics
Classification: Uncertain significance for Hereditary pancreatitis. Last evaluated: 2024-10-20. Review status: criteria provided, single submitter. Criteria: Ambry Variant Classification Scheme 2023. Collection method: clinical testing. Allele origin: germline.
Comment: The p.P418S variant (also known as c.1252C>T), located in coding exon 10 of the CPA1 gene, results from a C to T substitution at nucleotide position 1252. The proline at codon 418 is replaced by serine, an amino acid with similar properties. This amino acid position is conserved. In addition, this alteration is predicted to be tolerated by in silico analysis. Since supporting evidence is limited at this time, the clinical significance of this alteration remains unclear.

NM_001868.4(CPA1):c.1252C>T (p.Pro418Ser)

Gene: CPA1 (carboxypeptidase A1; plus strand). Cytogenetic location: 7q32.2.
Variant type: single nucleotide variant.
Coding change: c.1252C>T on transcript NM_001868.4 (MANE Select); coding-DNA position 1252, C replaced by T.
Protein change: p.Pro418Ser; replaces proline 418 with serine.
Molecular consequence: missense variant.
Genome position (GRCh38, 1-based): chr7:130,388,003, C>T. VCF-style: chr7-130388003-C-T. GRCh37 (hg19) VCF-style: chr7-130027844-C-T.
Other names: short protein forms P418S.
Identifiers: ClinVar variation 1761027 (VCV001761027.3), dbSNP rs2536015636, ClinGen allele CA369284673.